The following is an entry in ClinVar:

ClinVar aggregate classification (germline): Uncertain significance (1 of 4 stars; one submission).

Submission:

Labcorp Genetics (formerly Invitae), Labcorp
Classification: Uncertain significance. Last evaluated: 2022-02-08. Review status: criteria provided, single submitter. Criteria: Invitae Variant Classification Sherloc (09022015). Collection method: clinical testing. Allele origin: germline.
Comment: In summary, the available evidence is currently insufficient to determine the role of this variant in disease. Therefore, it has been classified as a Variant of Uncertain Significance. Algorithms developed to predict the effect of missense changes on protein structure and function (SIFT, PolyPhen-2, Align-GVGD) all suggest that this variant is likely to be tolerated. This variant has not been reported in the literature in individuals affected with RASGRP1-related conditions. This variant is not present in population databases (gnomAD no frequency). This sequence change replaces glutamic acid, which is acidic and polar, with lysine, which is basic and polar, at codon 644 of the RASGRP1 protein (p.Glu644Lys).

NM_005739.4(RASGRP1):c.1930G>A (p.Glu644Lys)

Gene: RASGRP1 (RAS guanyl releasing protein 1; minus strand). Cytogenetic location: 15q14.
Variant type: single nucleotide variant.
Coding change: c.1930G>A on transcript NM_005739.4 (MANE Select); coding-DNA position 1930, G replaced by A.
Protein change: p.Glu644Lys; replaces glutamic acid 644 with lysine.
Molecular consequence: missense variant. On other transcripts: intron variant (1).
Genome position (GRCh38, 1-based): chr15:38,494,711, C>T on the plus strand (G>A on the coding strand, the complement: RASGRP1 is on the minus strand). VCF-style: chr15-38494711-C-T. GRCh37 (hg19) VCF-style: chr15-38786912-C-T.
Other names: c.1825G>A, p.Glu609Lys (NM_001128602.2); c.1769-4023G>A (NM_001306086.2); short protein forms E609K, E644K.
Identifiers: ClinVar variation 1424048 (VCV001424048.8), dbSNP rs2141076973, ClinGen allele CA391662399.